The following is an entry in ClinVar:

ClinVar aggregate classification (germline): Uncertain significance (1 of 4 stars; one submission).

Conditions:
Glycogen storage disease IXb (GSD9B). Also called: PHOSPHORYLASE KINASE DEFICIENCY OF LIVER AND MUSCLE, AUTOSOMAL RECESSIVE; GLYCOGENOSIS OF LIVER AND MUSCLE, AUTOSOMAL RECESSIVE; GSD IXb. Identifiers: Orphanet 79240, MedGen C0543514, MONDO:0009868, OMIM 261750.

Allele frequency attached by ClinVar (database versions not stated): gnomAD exomes below 0.00001; ExAC 0.00001.
gnomAD v4.1: 2 of 1,612,460 alleles (0.00012%); highest among the groups gnomAD compares: Admixed American, 0.0017%; no homozygotes.

Submission:

Labcorp Genetics (formerly Invitae), Labcorp
Classification: Uncertain significance for Glycogen storage disease IXb. Last evaluated: 2024-11-04. Review status: criteria provided, single submitter. Criteria: Invitae Variant Classification Sherloc (09022015). Collection method: clinical testing. Allele origin: germline.
Comment: This sequence change replaces valine, which is neutral and non-polar, with methionine, which is neutral and non-polar, at codon 782 of the PHKB protein (p.Val782Met). This variant is present in population databases (rs762841465, gnomAD 0.003%). This variant has not been reported in the literature in individuals affected with PHKB-related conditions. ClinVar contains an entry for this variant (Variation ID: 2101598). An algorithm developed to predict the effect of missense changes on protein structure and function (PolyPhen-2) suggests that this variant is likely to be disruptive. In summary, the available evidence is currently insufficient to determine the role of this variant in disease. Therefore, it has been classified as a Variant of Uncertain Significance.

NM_000293.3(PHKB):c.2344G>A (p.Val782Met)

Gene: PHKB (phosphorylase kinase regulatory subunit beta; plus strand). Cytogenetic location: 16q12.1.
Variant type: single nucleotide variant.
Coding change: c.2344G>A on transcript NM_000293.3 (MANE Select); coding-DNA position 2344, G replaced by A.
Protein change: p.Val782Met; replaces valine 782 with methionine.
Molecular consequence: missense variant. On other transcripts: intron variant (2).
Genome position (GRCh38, 1-based): chr16:47,664,892, G>A. VCF-style: chr16-47664892-G-A. GRCh37 (hg19) VCF-style: chr16-47698803-G-A.
Other names: c.2337-1050G>A (NM_001363837.1); c.2316-1050G>A (NM_001031835.3); short protein forms V782M.
Identifiers: ClinVar variation 2101598 (VCV002101598.4), dbSNP rs762841465, ClinGen allele CA8041171.